The following is an entry in ClinVar:

NM_017780.4(CHD7):c.1762C>T (p.Pro588Ser)

Genes: CHD7 (chromodomain helicase DNA binding protein 7; plus strand), LOC126860403 (CDK7 strongly-dependent group 2 enhancer GRCh37_chr8:61693034-61694233; plus strand). Cytogenetic location: 8q12.2.
Variant type: single nucleotide variant.
Coding change: c.1762C>T on transcript NM_017780.4 (MANE Select); coding-DNA position 1762, C replaced by T.
Protein change: p.Pro588Ser; replaces proline 588 with serine.
Molecular consequence: missense variant. On other transcripts: intron variant (1).
Genome position (GRCh38, 1-based): chr8:60,781,096, C>T. VCF-style: chr8-60781096-C-T. GRCh37 (hg19) VCF-style: chr8-61693655-C-T.
Other names: c.1716+46C>T (NM_001316690.1); short protein forms P588S.
Identifiers: ClinVar variation 2816109 (VCV002816109.3), dbSNP rs2487537299, ClinGen allele CA371311792.

ClinVar aggregate classification (germline): Uncertain significance (1 of 4 stars; one submission).

Conditions:
CHARGE syndrome (CHARGE). Also called: Hittner Hirsch Kreh syndrome; CHARGE ASSOCIATION--COLOBOMA, HEART ANOMALY, CHOANAL ATRESIA, RETARDATION, GENITAL AND EAR ANOMALIES; Coloboma, heart anomaly, choanal atresia, retardation, genital and ear anomalies; CHARGE association; Hall-Hittner syndrome. Identifiers: Orphanet 138, MedGen C0265354, MONDO:0008965.

Submission:

Labcorp Genetics (formerly Invitae), Labcorp
Classification: Uncertain significance for CHARGE syndrome. Last evaluated: 2023-07-17. Review status: criteria provided, single submitter. Criteria: Invitae Variant Classification Sherloc (09022015). Collection method: clinical testing. Allele origin: germline.
Comment: This sequence change replaces proline, which is neutral and non-polar, with serine, which is neutral and polar, at codon 588 of the CHD7 protein (p.Pro588Ser). This variant is not present in population databases (gnomAD no frequency). This variant has not been reported in the literature in individuals affected with CHD7-related conditions. Advanced modeling of protein sequence and biophysical properties (such as structural, functional, and spatial information, amino acid conservation, physicochemical variation, residue mobility, and thermodynamic stability) performed at Invitae indicates that this missense variant is not expected to disrupt CHD7 protein function. In summary, the available evidence is currently insufficient to determine the role of this variant in disease. Therefore, it has been classified as a Variant of Uncertain Significance.